The following is an entry in ClinVar:

ClinVar aggregate classification (germline): Uncertain significance (1 of 4 stars; one submission).

Allele frequency attached by ClinVar (database versions not stated): gnomAD 0.00001; gnomAD exomes 0.00001 and 0.00003; ExAC 0.00003; TOPMed 0.00003.

Submission:

Labcorp Genetics (formerly Invitae), Labcorp
Classification: Uncertain significance. Last evaluated: 2022-08-22. Review status: criteria provided, single submitter. Criteria: Invitae Variant Classification Sherloc (09022015). Collection method: clinical testing. Allele origin: germline.
Comment: This sequence change replaces arginine, which is basic and polar, with tryptophan, which is neutral and slightly polar, at codon 1960 of the CEP250 protein (p.Arg1960Trp). This variant is present in population databases (rs759442307, gnomAD 0.002%). This variant has not been reported in the literature in individuals affected with CEP250-related conditions. ClinVar contains an entry for this variant (Variation ID: 1015619). Algorithms developed to predict the effect of missense changes on protein structure and function output the following: SIFT: "Not Available"; PolyPhen-2: "Benign"; Align-GVGD: "Not Available". The tryptophan amino acid residue is found in multiple mammalian species, which suggests that this missense change does not adversely affect protein function. In summary, the available evidence is currently insufficient to determine the role of this variant in disease. Therefore, it has been classified as a Variant of Uncertain Significance.

NM_007186.6(CEP250):c.5878C>T (p.Arg1960Trp)

Gene: CEP250 (centrosomal protein 250; plus strand). Cytogenetic location: 20q11.22.
Variant type: single nucleotide variant.
Coding change: c.5878C>T on transcript NM_007186.6 (MANE Select); coding-DNA position 5878, C replaced by T.
Protein change: p.Arg1960Trp; replaces arginine 1960 with tryptophan.
Molecular consequence: missense variant.
Genome position (GRCh38, 1-based): chr20:35,504,247, C>T. VCF-style: chr20-35504247-C-T. GRCh37 (hg19) VCF-style: chr20-34092075-C-T.
Other names: c.3982C>T, p.Arg1328Trp (NM_001318219.1); short protein forms R1328W, R1960W.
Identifiers: ClinVar variation 1015619 (VCV001015619.8), dbSNP rs759442307, ClinGen allele CA9833955.